The following is an entry in ClinVar:

ClinVar aggregate classification (germline): Uncertain significance. Review status: criteria provided, multiple submitters, no conflicts (2 of 4 stars). 2 submissions from 2 submitters: Uncertain significance (2). Last evaluated 2025-09-22.

Allele frequency attached by ClinVar (database versions not stated): gnomAD exomes below 0.00001; TOPMed below 0.00001; gnomAD 0.00001.

Submissions (2):

Ambry Genetics
Classification: Uncertain significance. Last evaluated: 2025-09-22. Review status: criteria provided, single submitter. Criteria: Ambry Variant Classification Scheme 2023. Collection method: clinical testing. Allele origin: germline.
Comment: The p.M160I variant (also known as c.480G>A), located in coding exon 4 of the RECQL gene, results from a G to A substitution at nucleotide position 480. The methionine at codon 160 is replaced by isoleucine, an amino acid with highly similar properties. This amino acid position is conserved. In addition, this alteration is predicted to be tolerated by in silico analysis. Since supporting evidence is limited at this time, the clinical significance of this alteration remains unclear.

Labcorp Genetics (formerly Invitae), Labcorp
Classification: Uncertain significance. Last evaluated: 2022-03-23. Review status: criteria provided, single submitter. Criteria: Invitae Variant Classification Sherloc (09022015). Collection method: clinical testing. Allele origin: germline.
Comment: In summary, the available evidence is currently insufficient to determine the role of this variant in disease. Therefore, it has been classified as a Variant of Uncertain Significance. Algorithms developed to predict the effect of missense changes on protein structure and function (SIFT, PolyPhen-2, Align-GVGD) all suggest that this variant is likely to be tolerated. This sequence change replaces methionine, which is neutral and non-polar, with isoleucine, which is neutral and non-polar, at codon 160 of the RECQL protein (p.Met160Ile). The frequency data for this variant in the population databases is considered unreliable, as metrics indicate poor data quality at this position in the gnomAD database. This variant has not been reported in the literature in individuals affected with RECQL-related conditions. ClinVar contains an entry for this variant (Variation ID: 1036600).

NM_002907.4(RECQL):c.480G>A (p.Met160Ile)

Gene: RECQL (RecQ like helicase; minus strand). Cytogenetic location: 12p12.1.
Variant type: single nucleotide variant.
Coding change: c.480G>A on transcript NM_002907.4 (MANE Select); coding-DNA position 480, G replaced by A.
Protein change: p.Met160Ile; replaces methionine 160 with isoleucine.
Molecular consequence: missense variant.
Genome position (GRCh38, 1-based): chr12:21,486,500, C>T on the plus strand (G>A on the coding strand, the complement: RECQL is on the minus strand). VCF-style: chr12-21486500-C-T. GRCh37 (hg19) VCF-style: chr12-21639434-C-T.
Other names: c.480G>A, p.Met160Ile (NM_032941.3); short protein forms M160I.
Identifiers: ClinVar variation 1036600 (VCV001036600.12), dbSNP rs1415873392, ClinGen allele CA384129925.